The following is an entry in ClinVar:

NM_018896.5(CACNA1G):c.5306-3C>A

Gene: CACNA1G (calcium voltage-gated channel subunit alpha1 G; plus strand). Cytogenetic location: 17q21.33.
Variant type: single nucleotide variant.
Coding change: c.5306-3C>A on transcript NM_018896.5 (MANE Select); 3 bases into the intron before coding-DNA position 5306, C replaced by A.
Molecular consequence: intron variant.
Genome position (GRCh38, 1-based): chr17:50,618,219, C>A. VCF-style: chr17-50618219-C-A. GRCh37 (hg19) VCF-style: chr17-48695580-C-A.
Other names: c.5327-3C>A (NM_001256325.2); c.5273-3C>A (NM_198377.3, NM_198380.3, NM_198378.3 and 1 more transcripts); c.5306-3C>A (NM_198385.3, NM_198384.3, NM_001256333.2); c.5285-3C>A (NM_001256327.2); c.5252-3C>A (NM_001256324.2, NM_198386.3); c.5231-3C>A (NM_001256328.2); c.5198-3C>A (NM_001256360.2); c.5192-3C>A (NM_001256361.2); and 7 more.
Identifiers: ClinVar variation 3383511 (VCV003383511.1).
Genomic context (GRCh38, chr17:50,618,219, plus strand): 5'-GGGCTGGAGACCAGGGGGCTCCTGGACTAACATGGGCCTCTCCCCCTTTCCCTCCTCCCC[C>A]AGAGTGTGACGAGACACACCCCTGTGAGGGCCTGGGCCGTCATGCCACCTTTCGGAACTT-3'

ClinVar aggregate classification (germline): Uncertain significance (1 of 4 stars; one submission).

gnomAD v4.1: 7 of 1,613,524 alleles (0.00043%); highest among the groups gnomAD compares: East Asian, 0.0022%; no homozygotes.

Submission:

GeneDx
Classification: Uncertain significance. Last evaluated: 2024-05-26. Review status: criteria provided, single submitter. Criteria: GeneDx Variant Classification Process June 2021. Collection method: clinical testing. Allele origin: germline. Affected: yes.
Comment: Has not been previously published as pathogenic or benign to our knowledge; In silico analysis suggests this variant may impact gene splicing. In the absence of RNA/functional studies, the actual effect of this sequence change is unknown.